The following is an entry in ClinVar:

NM_015909.4(NBAS):c.6845A>G (p.Asn2282Ser)

Gene: NBAS (NBAS subunit of NRZ tethering complex; minus strand). Cytogenetic location: 2p24.3.
Variant type: single nucleotide variant.
Coding change: c.6845A>G on transcript NM_015909.4 (MANE Select); coding-DNA position 6845, A replaced by G.
Protein change: p.Asn2282Ser; replaces asparagine 2282 with serine.
Molecular consequence: missense variant. On other transcripts: non-coding transcript variant (1).
Genome position (GRCh38, 1-based): chr2:15,167,319, T>C on the plus strand (A>G on the coding strand, the complement: NBAS is on the minus strand). VCF-style: chr2-15167319-T-C. GRCh37 (hg19) VCF-style: chr2-15307443-T-C.
Other names: c.6845A>G (NM_015909.2); short protein forms N2282S.
Identifiers: ClinVar variation 1524362 (VCV001524362.7), dbSNP rs755385089, ClinGen allele CA1534831.
Genomic context (GRCh38, chr2:15,167,319, plus strand): 5'-TTCACCAGCAGCTTGGCATCCAGGAGCAGGGAAAGAAGTTCTTGGTCACAATTGGAATCA[T>C]TCACCTTCAAGAAATAAGACAGGCACAGCGTGAGGGGGTGTTTGCTTTGTTCGCCTCCCC-3'
Protein context (NP_056993.2, residues 2272-2292): LEQITAVTTV[Asn2282Ser]DSNCDQELLS

ClinVar aggregate classification (germline): Uncertain significance. Review status: criteria provided, multiple submitters, no conflicts (2 of 4 stars). 2 submissions from 2 submitters: Uncertain significance (2). Last evaluated 2024-05-30.

Conditions:
Inborn genetic diseases. Identifiers: MedGen C0950123, MeSH D030342.

Allele frequency attached by ClinVar (database versions not stated): gnomAD exomes below 0.00001; ExAC 0.00001.
gnomAD v4.1: 1 of 1,614,202 alleles (0.000062%); highest among the groups gnomAD compares: South Asian, 0.0011%; no homozygotes.

Submissions (2):

Ambry Genetics
Classification: Uncertain significance for Inborn genetic diseases. Last evaluated: 2024-05-30. Review status: criteria provided, single submitter. Criteria: Ambry Variant Classification Scheme 2023. Collection method: clinical testing. Allele origin: germline.

Labcorp Genetics (formerly Invitae), Labcorp
Classification: Uncertain significance. Last evaluated: 2021-10-11. Review status: criteria provided, single submitter. Criteria: Invitae Variant Classification Sherloc (09022015). Collection method: clinical testing. Allele origin: germline.
Comment: Algorithms developed to predict the effect of sequence changes on RNA splicing suggest that this variant may create or strengthen a splice site. Algorithms developed to predict the effect of missense changes on protein structure and function are either unavailable or do not agree on the potential impact of this missense change (SIFT: "Deleterious"; PolyPhen-2: "Benign"; Align-GVGD: "Class C45"). In summary, the available evidence is currently insufficient to determine the role of this variant in disease. Therefore, it has been classified as a Variant of Uncertain Significance. This sequence change replaces asparagine with serine at codon 2282 of the NBAS protein (p.Asn2282Ser). The asparagine residue is highly conserved and there is a small physicochemical difference between asparagine and serine. This variant is present in population databases (rs755385089, ExAC 0.006%). This variant has not been reported in the literature in individuals affected with NBAS-related conditions.